The following is an entry in ClinVar:

ClinVar aggregate classification (germline): Uncertain significance (1 of 4 stars; one submission).

Allele frequency attached by ClinVar (database versions not stated): TOPMed below 0.00001.

Submission:

Labcorp Genetics (formerly Invitae), Labcorp
Classification: Uncertain significance. Last evaluated: 2024-03-16. Review status: criteria provided, single submitter. Criteria: Invitae Variant Classification Sherloc (09022015). Collection method: clinical testing. Allele origin: germline.
Comment: This sequence change replaces serine, which is neutral and polar, with glycine, which is neutral and non-polar, at codon 493 of the KANK4 protein (p.Ser493Gly). This variant is not present in population databases (gnomAD no frequency). This variant has not been reported in the literature in individuals affected with KANK4-related conditions. Algorithms developed to predict the effect of missense changes on protein structure and function output the following: SIFT: "Not Available"; PolyPhen-2: "Benign"; Align-GVGD: "Not Available". The glycine amino acid residue is found in multiple mammalian species, which suggests that this missense change does not adversely affect protein function. In summary, the available evidence is currently insufficient to determine the role of this variant in disease. Therefore, it has been classified as a Variant of Uncertain Significance.

NM_181712.5(KANK4):c.1477A>G (p.Ser493Gly)

Gene: KANK4 (KN motif and ankyrin repeat domains 4; minus strand). Cytogenetic location: 1p31.3.
Variant type: single nucleotide variant.
Coding change: c.1477A>G on transcript NM_181712.5 (MANE Select); coding-DNA position 1477, A replaced by G.
Protein change: p.Ser493Gly; replaces serine 493 with glycine.
Molecular consequence: missense variant. On other transcripts: intron variant (1).
Genome position (GRCh38, 1-based): chr1:62,273,627, T>C on the plus strand (A>G on the coding strand, the complement: KANK4 is on the minus strand). VCF-style: chr1-62273627-T-C. GRCh37 (hg19) VCF-style: chr1-62739299-T-C.
Other names: c.17-2038A>G (NM_001320269.2); short protein forms S493G.
Identifiers: ClinVar variation 2971493 (VCV002971493.3), dbSNP rs371555080, ClinGen allele CA23695772.